The following is an entry in ClinVar:

ClinVar aggregate classification (germline): Conflicting classifications of pathogenicity. Review status: criteria provided, conflicting classifications (1 of 4 stars). 11 submissions from 11 submitters: Uncertain significance (4); Likely benign (4). 3 of the submissions do not count toward it. Last evaluated 2026-02-01.

Conditions:
Cardiovascular phenotype. Identifiers: MedGen CN230736.
Alstrom syndrome (ALMS). Identifiers: Orphanet 64, MedGen C0268425, MONDO:0008763, OMIM 203800.

Allele frequency attached by ClinVar (database versions not stated): 1000 Genomes Project 30x 0.00094; ESP Exome Variant Server 0.00057; gnomAD 0.00061 and 0.00066; 1000 Genomes Project 0.00080; TOPMed 0.00093.
gnomAD v4.1: 257 of 1,614,058 alleles (0.016%); highest among the groups gnomAD compares: African/African-American, 0.18%; no homozygotes.

Submissions (11):

Labcorp Genetics (formerly Invitae), Labcorp
Classification: Likely benign for Alstrom syndrome. Last evaluated: 2026-02-01. Review status: criteria provided, single submitter. Criteria: Invitae Variant Classification Sherloc (09022015). Collection method: clinical testing. Allele origin: germline.

GeneDx
Classification: Uncertain significance. Last evaluated: 2025-11-25. Review status: criteria provided, single submitter. Criteria: GeneDx Variant Classification Process June 2021. Collection method: clinical testing. Allele origin: germline. Affected: yes.
Comment: Has not been previously published as pathogenic or benign to our knowledge; In silico analysis supports that this missense variant has a deleterious effect on protein structure/function

Women's Health and Genetics/Laboratory Corporation of America, LabCorp
Classification: Likely benign. Last evaluated: 2025-10-07. Review status: criteria provided, single submitter. Criteria: LabCorp Variant Classification Summary - May 2015. Collection method: clinical testing. Allele origin: germline.
Comment: Variant summary: ALMS1 c.10889G>A (p.Arg3630His; also annotated as c.10895G>A (p.Arg3632His)) results in a non-conservative amino acid change in the encoded protein sequence. Algorithms developed to predict the effect of missense changes on protein structure and function are either unavailable or do not agree on the potential impact of this missense change. The variant allele was found at a frequency of 0.00024 in 249204 control chromosomes, predominantly at a frequency of 0.0021 within the African or African-American subpopulation in the gnomAD database. To our knowledge, no occurrence of c.10889G>A in individuals affected with ALMS1-related conditions and no experimental evidence demonstrating its impact on protein function have been reported. ClinVar contains an entry for this variant (Variation ID: 390222). Based on the evidence outlined above, the variant was classified as likely benign.

Blueprint Genetics
Classification: Likely benign. Last evaluated: 2024-08-13. Review status: criteria provided, single submitter. Criteria: ACMG Guidelines, 2015. Collection method: clinical testing. Allele origin: germline.

Genetic Services Laboratory, University of Chicago
Classification: Uncertain significance. Last evaluated: 2021-11-16. Review status: criteria provided, single submitter. Criteria: ACMG Guidelines, 2015. Collection method: clinical testing. Allele origin: germline. Affected: no.

Ambry Genetics
Classification: Likely benign for Cardiovascular phenotype. Last evaluated: 2021-05-09. Review status: criteria provided, single submitter. Criteria: Ambry Variant Classification Scheme 2023. Collection method: clinical testing. Allele origin: germline.

Center for Genomics, Ann and Robert H. Lurie Children's Hospital of Chicago
Classification: Uncertain significance for Alstrom syndrome. Last evaluated: 2021-03-30. Review status: criteria provided, single submitter. Criteria: ACMG Guidelines, 2015. Collection method: clinical testing. Allele origin: germline.
Comment: ALMS1 NM_015120.4 exon 16 p.Arg3630His (c.10889G>A): This variant has not been reported in the literature and is present in 0.2% (51/24014) of African alleles in the Genome Aggregation Database. Evolutionary conservation and computational predictive tools suggest that this variant may impact the protein. However, the variant amino acid Histidine (His) is present in two species (dolphin, killer whale). In summary, data on this variant is insufficient for disease classification. Therefore, the clinical significance of this variant is uncertain.

Laboratory for Molecular Medicine, Mass General Brigham Personalized Medicine
Classification: Uncertain significance. Last evaluated: 2017-12-21. Review status: criteria provided, single submitter. Criteria: LMM Criteria. Collection method: clinical testing. Allele origin: germline. Observed: 1 variant allele.
Comment: Variant classified as Uncertain Significance - Favor Benign. The p.Arg3632His va riant in ALMS1 gene has not been previously reported in individuals with hearing loss or Alstrom syndrome, but has been identified in several populations by the Genome Aggregation Database with the highest frequency of 0.21%(51/24014) of Af rican chromosomes (gnomAD; dbSNP rs142558799). This variant has also been reported in an affected individual of unspecified ph enotypes in ClinVar (Variation ID: 390222). Computational prediction tools and c onservation analysis do not provide strong support for or against an impact to t he protein. In summary, while the clinical significance of the p.Arg3630His vari ant is uncertain, the frequency data indicate that it is more likely to be benig n. ACMG/AMP criteria applied: BS1_supporting.

Natera, Inc.
Classification: Likely benign for Alstrom syndrome. Last evaluated: 2020-06-05. Review status: no assertion criteria provided. Collection method: clinical testing. Allele origin: germline. Not counted in ClinVar's aggregate classification.

Clinical Genetics DNA and cytogenetics Diagnostics Lab, Erasmus MC, Erasmus Medical Center
Classification: Uncertain significance. Review status: no assertion criteria provided. Collection method: clinical testing. Allele origin: germline. Affected: yes. Study: VKGL Data-share Consensus. Not counted in ClinVar's aggregate classification.

Laboratory of Diagnostic Genome Analysis, Leiden University Medical Center (LUMC)
Classification: Uncertain significance. Review status: no assertion criteria provided. Collection method: clinical testing. Allele origin: germline. Affected: yes. Study: VKGL Data-share Consensus. Not counted in ClinVar's aggregate classification.

NM_001378454.1(ALMS1):c.10892G>A (p.Arg3631His)

Gene: ALMS1 (ALMS1 centrosome and basal body associated protein; plus strand). Cytogenetic location: 2p13.1.
Variant type: single nucleotide variant.
Coding change: c.10892G>A on transcript NM_001378454.1 (MANE Select); coding-DNA position 10892, G replaced by A.
Protein change: p.Arg3631His; replaces arginine 3631 with histidine.
Molecular consequence: missense variant.
Genome position (GRCh38, 1-based): chr2:73,572,769, G>A. VCF-style: chr2-73572769-G-A. GRCh37 (hg19) VCF-style: chr2-73799896-G-A.
Other names: c.10895G>A, p.Arg3632His (NM_015120.4); short protein forms R3632H, R3631H.
Identifiers: ClinVar variation 390222 (VCV000390222.37), dbSNP rs142558799, ClinGen allele CA1715085.
Genomic context (GRCh38, chr2:73,572,769, plus strand): 5'-AACAGAGACAGCCTGAGTTGGGTGACAGGAAAGAACTGTCCTTGGTGGACCGACTTGATC[G>A]TTTGGCTAAAATTCTTCAGAATCCAATCACACATTCTCTCCAGGTCTCAGAAAGTACACA-3'
Protein context (NP_001365383.1, residues 3621-3641): KELSLVDRLD[Arg3631His]LAKILQNPIT